The following is an entry in ClinVar:

ClinVar aggregate classification (germline): Uncertain significance. Review status: criteria provided, multiple submitters, no conflicts (2 of 4 stars). 2 submissions from 2 submitters: Uncertain significance (2). Last evaluated 2023-12-03.

Conditions:
Hereditary cancer-predisposing syndrome. Also called: Neoplastic Syndromes, Hereditary; Hereditary Cancer Syndrome; Tumor predisposition; Hereditary neoplastic syndrome. Identifiers: Orphanet 140162, MedGen C0027672, MeSH D009386, MONDO:0015356.
Hereditary nonpolyposis colorectal neoplasms. Identifiers: MedGen C0009405, MeSH D003123.

Submissions (2):

Labcorp Genetics (formerly Invitae), Labcorp
Classification: Uncertain significance for Hereditary nonpolyposis colorectal neoplasms. Last evaluated: 2023-12-03. Review status: criteria provided, single submitter. Criteria: Invitae Variant Classification Sherloc (09022015). Collection method: clinical testing. Allele origin: germline.
Comment: This sequence change replaces proline, which is neutral and non-polar, with threonine, which is neutral and polar, at codon 1077 of the MSH6 protein (p.Pro1077Thr). This variant is not present in population databases (gnomAD no frequency). This variant has not been reported in the literature in individuals affected with MSH6-related conditions. ClinVar contains an entry for this variant (Variation ID: 854567). Advanced modeling of protein sequence and biophysical properties (such as structural, functional, and spatial information, amino acid conservation, physicochemical variation, residue mobility, and thermodynamic stability) performed at Invitae indicates that this missense variant is expected to disrupt MSH6 protein function with a positive predictive value of 95%. In summary, the available evidence is currently insufficient to determine the role of this variant in disease. Therefore, it has been classified as a Variant of Uncertain Significance.

Ambry Genetics
Classification: Uncertain significance for Hereditary cancer-predisposing syndrome. Last evaluated: 2023-02-04. Review status: criteria provided, single submitter. Criteria: Ambry Variant Classification Scheme 2023. Collection method: clinical testing. Allele origin: germline.
Comment: The p.P1077T variant (also known as c.3229C>A), located in coding exon 5 of the MSH6 gene, results from a C to A substitution at nucleotide position 3229. The proline at codon 1077 is replaced by threonine, an amino acid with highly similar properties. This amino acid position is conserved. In addition, this alteration is predicted to be deleterious by in silico analysis. Since supporting evidence is limited at this time, the clinical significance of this alteration remains unclear.

NM_000179.3(MSH6):c.3229C>A (p.Pro1077Thr)

Gene: MSH6 (mutS homolog 6; plus strand). Cytogenetic location: 2p16.3.
Variant type: single nucleotide variant.
Coding change: c.3229C>A on transcript NM_000179.3 (MANE Select); coding-DNA position 3229, C replaced by A.
Protein change: p.Pro1077Thr; replaces proline 1077 with threonine.
Molecular consequence: missense variant.
Genome position (GRCh38, 1-based): chr2:47,803,476, C>A. VCF-style: chr2-47803476-C-A. GRCh37 (hg19) VCF-style: chr2-48030615-C-A.
Other names: c.2839C>A, p.Pro947Thr (NM_001281492.2); c.2323C>A, p.Pro775Thr (NM_001281493.2, NM_001281494.2); short protein forms P947T, P1077T, P775T.
Identifiers: ClinVar variation 854567 (VCV000854567.12), dbSNP rs1669737200, ClinGen allele CA346758035.